The following is an entry in ClinVar:

NM_018006.5(TRMU):c.-12G>A

Gene: TRMU (tRNA mitochondrial 2-thiouridylase; plus strand). Cytogenetic location: 22q13.31.
Variant type: single nucleotide variant.
Coding change: c.-12G>A on transcript NM_018006.5 (MANE Select); 12 bases upstream of the start codon, G replaced by A.
Molecular consequence: 5 prime UTR variant. On other transcripts: non-coding transcript variant (2).
Genome position (GRCh38, 1-based): chr22:46,335,753, G>A. VCF-style: chr22-46335753-G-A. GRCh37 (hg19) VCF-style: chr22-46731650-G-A.
Other names: c.-247G>A (NM_001282782.2); c.-266G>A (NM_001282783.2, NM_001282784.2); c.-12G>A (NM_001282785.2).
Identifiers: ClinVar variation 4985316 (VCV004985316.1).
Genomic context (GRCh38, chr22:46,335,753, plus strand): 5'-GGCCGGGGCGGGACTTCCGGCAAGGCGCGGAAGCGGCGGTAGCTGCAGCTGGCGAAGTTG[G>A]GCGACTGGCGGATGCAGGCCTTGCGGCACGTCGTGTGCGCCCTGTCCGGCGGCGTGGACA-3'

ClinVar aggregate classification (germline): Likely benign (1 of 4 stars; one submission).

Conditions:
TRMU-related disorder. Also called: TRMU-related condition.

gnomAD v4.1: 1 of 1,548,734 alleles (0.000065%); highest among the groups gnomAD compares: Non-Finnish European, 0.000087%; no homozygotes.

Submission:

PreventionGenetics, part of Exact Sciences
Classification: Likely benign for TRMU-related condition. Last evaluated: 2025-02-12. Review status: criteria provided, single submitter. Criteria: ACMG Guidelines, 2015. Collection method: clinical testing. Allele origin: germline.
Comment: This variant is classified as likely benign based on ACMG/AMP sequence variant interpretation guidelines (Richards et al. 2015 PMID: 25741868, with internal and published modifications).